The following is an entry in ClinVar:

ClinVar aggregate classification (germline): Uncertain significance (1 of 4 stars; one submission).

Submission:

CeGaT Center for Human Genetics Tuebingen
Classification: Uncertain significance. Last evaluated: 2024-04-01. Review status: criteria provided, single submitter. Criteria: CeGaT Center For Human Genetics Tuebingen Variant Classification Criteria Version 2. Collection method: clinical testing. Allele origin: germline. Affected: yes. Observed: 1 variant allele.
Comment: ABCA4: PM2, PM3:Supporting, PM5:Supporting, PP3

NM_000350.3(ABCA4):c.3737T>A (p.Leu1246His)

Genes: ABCA4 (ATP binding cassette subfamily A member 4; minus strand), LOC126805794 (BRD4-independent group 4 enhancer GRCh37_chr1:94502188-94503387; plus strand). Cytogenetic location: 1p22.1.
Variant type: single nucleotide variant.
Coding change: c.3737T>A on transcript NM_000350.3 (MANE Select); coding-DNA position 3737, T replaced by A.
Protein change: p.Leu1246His; replaces leucine 1246 with histidine.
Molecular consequence: missense variant.
Genome position (GRCh38, 1-based): chr1:94,037,221, A>T on the plus strand (T>A on the coding strand, the complement: ABCA4 is on the minus strand). VCF-style: chr1-94037221-A-T. GRCh37 (hg19) VCF-style: chr1-94502777-A-T.
Other names: c.3515T>A, p.Leu1172His (NM_001425324.1); short protein forms L1172H, L1246H.
Identifiers: ClinVar variation 3234697 (VCV003234697.20), dbSNP rs2523751677, ClinGen allele CA341289164.